The following is an entry in ClinVar:

ClinVar aggregate classification (germline): Uncertain significance (1 of 4 stars; one submission).

Conditions:
Familial adenomatous polyposis 1 (FAP1). Also called: FAMILIAL ADENOMATOUS POLYPOSIS 1, ATTENUATED; POLYPOSIS, ADENOMATOUS INTESTINAL. Identifiers: MedGen C2713442, MONDO:0021056, OMIM 175100. Disease mechanism: loss of function.

gnomAD v4.1: 1 of 1,614,080 alleles (0.000062%); highest among the groups gnomAD compares: South Asian, 0.0011%; no homozygotes.

Submission:

Labcorp Genetics (formerly Invitae), Labcorp
Classification: Uncertain significance for Familial adenomatous polyposis 1. Last evaluated: 2023-01-24. Review status: criteria provided, single submitter. Criteria: Invitae Variant Classification Sherloc (09022015). Collection method: clinical testing. Allele origin: germline.
Comment: In summary, the available evidence is currently insufficient to determine the role of this variant in disease. Therefore, it has been classified as a Variant of Uncertain Significance. Advanced modeling of protein sequence and biophysical properties (such as structural, functional, and spatial information, amino acid conservation, physicochemical variation, residue mobility, and thermodynamic stability) performed at Invitae indicates that this missense variant is not expected to disrupt APC protein function. This variant has not been reported in the literature in individuals affected with APC-related conditions. This variant is not present in population databases (gnomAD no frequency). This sequence change replaces proline, which is neutral and non-polar, with alanine, which is neutral and non-polar, at codon 1711 of the APC protein (p.Pro1711Ala).

NM_000038.6(APC):c.5131C>G (p.Pro1711Ala)

Gene: APC (APC regulator of Wnt signaling pathway; plus strand). Cytogenetic location: 5q22.2.
Variant type: single nucleotide variant.
Coding change: c.5131C>G on transcript NM_000038.6 (MANE Select); coding-DNA position 5131, C replaced by G.
Protein change: p.Pro1711Ala; replaces proline 1711 with alanine.
Molecular consequence: missense variant. On other transcripts: non-coding transcript variant (2).
Genome position (GRCh38, 1-based): chr5:112,840,725, C>G. VCF-style: chr5-112840725-C-G. GRCh37 (hg19) VCF-style: chr5-112176422-C-G.
Other names: c.5131C>G, p.Pro1711Ala (NM_001127510.3, NM_001354895.2, NM_001407450.1); c.5077C>G, p.Pro1693Ala (NM_001127511.3); c.5185C>G, p.Pro1729Ala (NM_001354896.2, NM_001407447.1, NM_001407448.1 and 1 more transcripts); c.5161C>G, p.Pro1721Ala (NM_001354897.2); c.5056C>G, p.Pro1686Ala (NM_001354898.2); c.5047C>G, p.Pro1683Ala (NM_001354899.2); c.5008C>G, p.Pro1670Ala (NM_001354900.2); c.4954C>G, p.Pro1652Ala (NM_001354901.2, NM_001407453.1); and 11 more; short protein forms P1701A, P1582A, P1585A, P1693A, P1711A, P1327A, P1428A, P1551A.
Identifiers: ClinVar variation 2831389 (VCV002831389.3), dbSNP rs762798174, ClinGen allele CA16032544.